The following is an entry in ClinVar:

ClinVar aggregate classification (germline): Likely pathogenic (1 of 4 stars; one submission).

Conditions:
Methylcobalamin deficiency type cblE (HMAE). Also called: VITAMIN B12-RESPONSIVE HOMOCYSTINURIA, cblE TYPE; HOMOCYSTINURIA-MEGALOBLASTIC ANEMIA, cblE TYPE; HOMOCYSTINURIA-MEGALOBLASTIC ANEMIA, cblE COMPLEMENTATION TYPE. Identifiers: Orphanet 2169, Orphanet 622, MedGen C1856057, MONDO:0009354, OMIM 236270.

Allele frequency attached by ClinVar (database versions not stated): gnomAD 0.00001.
gnomAD v4.1: 1 of 1,612,342 alleles (0.000062%); highest among the groups gnomAD compares: African/African-American, 0.0013%; no homozygotes.

Submission:

Labcorp Genetics (formerly Invitae), Labcorp
Classification: Likely pathogenic for Methylcobalamin deficiency type cblE. Last evaluated: 2023-12-02. Review status: criteria provided, single submitter. Criteria: Invitae Variant Classification Sherloc (09022015). Collection method: clinical testing. Allele origin: germline.
Comment: This sequence change affects a donor splice site in intron 9 of the MTRR gene. It is expected to disrupt RNA splicing. Variants that disrupt the donor or acceptor splice site typically lead to a loss of protein function (PMID: 16199547), and loss-of-function variants in MTRR are known to be pathogenic (PMID: 15714522). This variant is not present in population databases (gnomAD no frequency). This variant has not been reported in the literature in individuals affected with MTRR-related conditions. Algorithms developed to predict the effect of sequence changes on RNA splicing suggest that this variant may disrupt the consensus splice site. In summary, the currently available evidence indicates that the variant is pathogenic, but additional data are needed to prove that conclusively. Therefore, this variant has been classified as Likely Pathogenic.

Literature cited by the submitters: PubMed 16199547; PubMed 15714522.

NM_002454.3(MTRR):c.1327+1G>A

Gene: MTRR (5-methyltetrahydrofolate-homocysteine methyltransferase reductase; plus strand). Cytogenetic location: 5p15.31.
Variant type: single nucleotide variant.
Coding change: c.1327+1G>A on transcript NM_002454.3 (MANE Select); the canonical splice donor site of the intron after coding-DNA position 1327, G replaced by A.
Molecular consequence: splice donor variant.
Genome position (GRCh38, 1-based): chr5:7,889,276, G>A. VCF-style: chr5-7889276-G-A. GRCh37 (hg19) VCF-style: chr5-7889389-G-A.
Other names: c.1327+1G>A (NM_001364440.2, NM_001364441.2, NM_001364442.2 and 1 more transcripts).
Identifiers: ClinVar variation 2700322 (VCV002700322.3), dbSNP rs1737148739, ClinGen allele CA359158667.